The following is an entry in ClinVar:

ClinVar aggregate classification (germline): Uncertain significance (1 of 4 stars; one submission).

Conditions:
Inborn genetic diseases. Identifiers: MedGen C0950123, MeSH D030342.

Submission:

Ambry Genetics
Classification: Uncertain significance for Inborn genetic diseases. Last evaluated: 2026-03-21. Review status: criteria provided, single submitter. Criteria: Ambry Variant Classification Scheme 2023. Collection method: clinical testing. Allele origin: germline.
Comment: The p.V920L variant (also known as c.2758G>C), located in coding exon 21 of the BUB1B gene, results from a G to C substitution at nucleotide position 2758. The valine at codon 920 is replaced by leucine, an amino acid with highly similar properties. This amino acid position is conserved. In addition, this alteration is predicted to be tolerated by in silico analysis. Based on the available evidence, the clinical significance of this variant remains unclear.

NM_001211.6(BUB1B):c.2758G>C (p.Val920Leu)

Genes: BUB1B (BUB1 mitotic checkpoint serine/threonine kinase B; plus strand), BUB1B-PAK6 (BUB1B-PAK6 readthrough; plus strand). Cytogenetic location: 15q15.1.
Variant type: single nucleotide variant.
Coding change: c.2758G>C on transcript NM_001211.6 (MANE Select); coding-DNA position 2758, G replaced by C.
Protein change: p.Val920Leu; replaces valine 920 with leucine.
Molecular consequence: missense variant. On other transcripts: 5 prime UTR variant (2).
Genome position (GRCh38, 1-based): chr15:40,217,575, G>C. VCF-style: chr15-40217575-G-C. GRCh37 (hg19) VCF-style: chr15-40509776-G-C.
Other names: c.-293G>C (NM_001128628.3); c.-210G>C (NM_001128629.3); short protein forms V920L.
Identifiers: ClinVar variation 4867981 (VCV004867981.1).